The following is an entry in ClinVar:

NM_022841.7(RFX7):c.2841ACCCAC[5] (p.Thr965_Ser966insProThr)

Gene: RFX7 (regulatory factor X7; minus strand). Cytogenetic location: 15q21.3.
Variant type: Microsatellite.
Coding change: c.2841ACCCAC[5] on transcript NM_022841.7 (MANE Select); five copies in a row of the 6-base unit ACCCAC starting at c.2841; the reference has four copies in a row; one copy, 6 bases duplicated.
Protein change: p.Thr965_Ser966insProThr.
Genome position (GRCh38, 1-based): chr15:56,094,864-56,094,869, GTGGGT duplicated on the plus strand (ACCCAC on the coding strand, the reverse complement: RFX7 is on the minus strand); duplicating any 6 consecutive bases within chr15:56,094,864-56,094,890 gives the same sequence; the position shown is the placement nearest the transcript's 3' end. VCF-style (leftmost placement, unchanged base first): chr15-56094863-A-AGTGGGT. GRCh37 (hg19) VCF-style: chr15-56387061-A-AGTGGGT.
Other names: c.2550ACCCAC[5], p.Thr868_Ser869insProThr (NM_001368073.2, NM_001368074.1, NM_001370554.1); c.2841ACCCAC[5], p.Thr965_Ser966insProThr (NM_001370561.1).
Identifiers: ClinVar variation 3049875 (VCV003049875.12), dbSNP rs551989191, ClinGen allele CA7578055.
Genomic context (GRCh38, chr15:56,094,863, plus strand): 5'-CAGACTCTGAGATCCAGCAATCATTTCAGATGTCGGGGTTGGGGTTGGGGTTGGAGTAGG[A>AGTGGGT]GTGGGTGTGGGTGTGGGTGTGGGTGTGTGGATTGGAGTGCCATTGCTGTGGATTGGATGA-3'

ClinVar aggregate classification (germline): Likely benign. Review status: criteria provided, single submitter (1 of 4 stars). 2 submissions from 2 submitters: Likely benign (1). 1 of the submissions does not count toward it. Last evaluated 2025-11-01.

Conditions:
RFX7-related disorder. Also called: RFX7-related condition.

Submissions (2):

CeGaT Center for Human Genetics Tuebingen
Classification: Likely benign. Last evaluated: 2025-11-01. Review status: criteria provided, single submitter. Criteria: CeGaT Center For Human Genetics Tuebingen Variant Classification Criteria Version 2. Collection method: clinical testing. Allele origin: germline. Affected: yes. Observed: 2 variant alleles.
Comment: RFX7: PM4, BS1

PreventionGenetics, part of Exact Sciences
Classification: Likely benign for RFX7-related condition. Last evaluated: 2022-02-09. Review status: no assertion criteria provided. Collection method: clinical testing. Allele origin: germline. Not counted in ClinVar's aggregate classification.
Comment: This variant is classified as likely benign based on ACMG/AMP sequence variant interpretation guidelines (Richards et al. 2015 PMID: 25741868, with internal and published modifications).